The following is an entry in ClinVar:

NM_001267550.2(TTN):c.11312-5227_11312-5195del

Gene: TTN (titin; minus strand). Cytogenetic location: 2q31.2.
Variant type: Deletion.
Coding change: c.11312-5227_11312-5195del on transcript NM_001267550.2 (MANE Select); 5227 bases into the intron before coding-DNA position 11312 through 5195 bases into the intron before coding-DNA position 11312, 33 bases deleted.
Molecular consequence: intron variant. On other transcripts: inframe indel (1).
Genome position (GRCh38, 1-based): chr2:178,747,116-178,747,148, 33 bases deleted; deleting any 33 consecutive bases within chr2:178,747,116-178,747,156 gives the same sequence; the c. name uses the placement nearest the transcript's 3' end. GRCh37 (hg19): chr2:179,611,851-179,611,883.
Other names: c.15252_15284del, p.5058TLERYSTPPGE[4] (NM_133379.5); c.10223-5227_10223-5195del (NM_003319.4); c.10799-5227_10799-5195del (NM_133437.4); c.10598-5227_10598-5195del (NM_133432.3); c.10360+5976_10360+6008del (NM_133378.4); c.10361-5227_10361-5195del (NM_001256850.1); c.15252_15284del33 (NM_133379.4).
Identifiers: ClinVar variation 3034543 (VCV003034543.2), dbSNP rs781274406, ClinGen allele CA2003129.

ClinVar aggregate classification (germline): Likely benign (0 of 4 stars; one submission).

Conditions:
TTN-related disorder. Also called: TTN-related condition; TTN-related disease; TTN-related disorders.

Submission:

PreventionGenetics, part of Exact Sciences
Classification: Likely benign for TTN-related condition. Last evaluated: 2023-03-28. Review status: no assertion criteria provided. Collection method: clinical testing. Allele origin: germline.
Comment: This variant is classified as likely benign based on ACMG/AMP sequence variant interpretation guidelines (Richards et al. 2015 PMID: 25741868, with internal and published modifications).